The following is an entry in ClinVar:

NM_000487.6(ARSA):c.677C>T (p.Ala226Val)

Gene: ARSA (arylsulfatase A; minus strand). Cytogenetic location: 22q13.33.
Variant type: single nucleotide variant.
Coding change: c.677C>T on transcript NM_000487.6 (MANE Select); coding-DNA position 677, C replaced by T.
Protein change: p.Ala226Val; replaces alanine 226 with valine.
Molecular consequence: missense variant.
Genome position (GRCh38, 1-based): chr22:50,626,841, G>A on the plus strand (C>T on the coding strand, the complement: ARSA is on the minus strand). VCF-style: chr22-50626841-G-A. GRCh37 (hg19) VCF-style: chr22-51065269-G-A.
Other names: A224V; c.677C>T, p.Ala226Val (NM_001085425.3, NM_001085426.3, NM_001085427.3); c.419C>T, p.Ala140Val (NM_001085428.3, NM_001362782.2); short protein forms A226V, A140V.
Identifiers: ClinVar variation 3071 (VCV000003071.20), dbSNP rs74315468, ClinGen allele CA278030.
Genomic context (GRCh38, chr22:50,626,841, plus strand): 5'-TAGCACTGGGTAGGGGTCACGGGCAGCCAGGGGGTTGGGCCAAGATCACTTACGTGAGAG[G>A]CATAGTACAGGAAGAAGGGGCGATCCTGGCGCTGGGCGTCGGCCATGAGGTCATGGGCGA-3'
Protein context (NP_000478.3, residues 216-236): RQDRPFFLYY[Ala226Val]SHHTHYPQFS

ClinVar aggregate classification (germline): Conflicting classifications of pathogenicity. Review status: criteria provided, conflicting classifications (1 of 4 stars). 6 submissions from 6 submitters: Pathogenic (1); Likely pathogenic (3); Uncertain significance (1). 1 of the submissions does not count toward it. Last evaluated 2026-03-17.

Conditions:
Metachromatic leukodystrophy (MLD). Also called: ARSA DEFICIENCY; CEREBROSIDE SULFATASE DEFICIENCY; Arylsulfatase A Deficiency; SULFATIDE LIPIDOSIS; Cerebral sclerosis diffuse metachromatic form; METACHROMATIC LEUKOENCEPHALOPATHY. Identifiers: Orphanet 512, MedGen C0023522, MONDO:0018868, OMIM 250100.

Allele frequency attached by ClinVar (database versions not stated): gnomAD exomes below 0.00001; gnomAD 0.00003; TOPMed 0.00004.
gnomAD v4.1: 18 of 1,613,114 alleles (0.0011%); highest among the groups gnomAD compares: African/African-American, 0.0067%; no homozygotes.

Submissions (6):

GeneDx
Classification: Likely pathogenic. Last evaluated: 2026-03-17. Review status: criteria provided, single submitter. Criteria: GeneDx Variant Classification Process June 2021. Collection method: clinical testing. Allele origin: germline.
Comment: In silico analysis supports that this missense variant has a deleterious effect on protein structure/function; Not observed at significant frequency in large population cohorts (gnomAD); Also known as p.A224V; This variant is associated with the following publications: (PMID: 7967499, 7906588, 16546179, 37381728)

Myriad Genetics, Inc.
Classification: Likely pathogenic for Metachromatic leukodystrophy. Last evaluated: 2025-09-18. Review status: criteria provided, single submitter. Criteria: Myriad Autosomal Dominant, Autosomal Recessive and X-Linked Classification Criteria (2023). Collection method: clinical testing. Allele origin: unknown.
Comment: NM_000487.5(ARSA):c.677C>T(A226V) is a missense variant classified as likely pathogenic in the context of metachromatic leukodystrophy. A226V has been observed in a case with relevant disease (PMID: 7906588). Relevant functional assessments of this variant are available in the literature (PMID: 37480112). Internal structural analysis of the variant is supportive of pathogenicity. A226V has been observed in referenced population frequency databases. In summary, NM_000487.5(ARSA):c.677C>T(A226V) is a missense variant that has both functional and internal structural support for pathogenicity and has been observed more frequently in cases with the relevant disease than in healthy populations. Please note: this variant was assessed in the context of healthy population screening.

Labcorp Genetics (formerly Invitae), Labcorp
Classification: Pathogenic for Metachromatic leukodystrophy. Last evaluated: 2025-04-01. Review status: criteria provided, single submitter. Criteria: Invitae Variant Classification Sherloc (09022015). Collection method: clinical testing. Allele origin: germline.
Comment: This sequence change replaces alanine, which is neutral and non-polar, with valine, which is neutral and non-polar, at codon 226 of the ARSA protein (p.Ala226Val). This variant is present in population databases (rs74315468, gnomAD 0.01%). This missense change has been observed in individual(s) with metachromatic leukodystrophy (PMID: 7906588; internal data). In at least one individual the data is consistent with being in trans (on the opposite chromosome) from a pathogenic variant. This variant is also known as A224V. ClinVar contains an entry for this variant (Variation ID: 3071). Invitae Evidence Modeling of protein sequence and biophysical properties (such as structural, functional, and spatial information, amino acid conservation, physicochemical variation, residue mobility, and thermodynamic stability) indicates that this missense variant is expected to disrupt ARSA protein function with a positive predictive value of 95%. For these reasons, this variant has been classified as Pathogenic.

Fulgent Genetics
Classification: Likely pathogenic for Metachromatic leukodystrophy. Last evaluated: 2024-03-19. Review status: criteria provided, single submitter. Criteria: ACMG Guidelines, 2015. Collection method: clinical testing. Allele origin: germline.

Eurofins Ntd Llc (ga)
Classification: Uncertain significance. Last evaluated: 2016-10-27. Review status: criteria provided, single submitter. Criteria: EGL Classification Definitions 2015. Collection method: clinical testing. Allele origin: germline. Observed: 1 variant allele, 1 heterozygote.

OMIM
Classification: Pathogenic for METACHROMATIC LEUKODYSTROPHY. Last evaluated: 1993-12-01. Review status: no assertion criteria provided. Collection method: literature only. Allele origin: germline. Not counted in ClinVar's aggregate classification.

Literature cited by the submitters: PubMed 37480112 (cited by Myriad Genetics, Inc.); PubMed 7906588 (cited by 3 submitters).